The following is an entry in ClinVar:

ClinVar aggregate classification (germline): Uncertain significance (1 of 4 stars; one submission).

Conditions:
Hereditary pulmonary alveolar proteinosis. Also called: Pulmonary surfactant metabolism dysfunction. Identifiers: Orphanet 264675, MedGen C3711368, MONDO:0012580.

Submission:

Ambry Genetics
Classification: Uncertain significance for Hereditary pulmonary alveolar proteinosis. Last evaluated: 2017-12-08. Review status: criteria provided, single submitter. Criteria: Ambry Variant Classification Scheme 2023. Collection method: clinical testing. Allele origin: germline.
Comment: The p.H151L variant (also known as c.452A>T), located in coding exon 5 of the SFTPB gene, results from an A to T substitution at nucleotide position 452. The histidine at codon 151 is replaced by leucine, an amino acid with similar properties. This amino acid position is not well conserved in available vertebrate species. In addition, this alteration is predicted to be tolerated by in silico analysis. Since supporting evidence is limited at this time, the clinical significance of this alteration remains unclear.

NM_000542.5(SFTPB):c.416A>T (p.His139Leu)

Gene: SFTPB (surfactant protein B; minus strand). Cytogenetic location: 2p11.2.
Variant type: single nucleotide variant.
Coding change: c.416A>T on transcript NM_000542.5 (MANE Select); coding-DNA position 416, A replaced by T.
Protein change: p.His139Leu; replaces histidine 139 with leucine.
Molecular consequence: missense variant.
Genome position (GRCh38, 1-based): chr2:85,665,772, T>A on the plus strand (A>T on the coding strand, the complement: SFTPB is on the minus strand). VCF-style: chr2-85665772-T-A. GRCh37 (hg19) VCF-style: chr2-85892895-T-A.
Other names: c.416A>T, p.His139Leu (NM_001367281.2, NM_198843.4); short protein forms H139L.
Identifiers: ClinVar variation 1741258 (VCV001741258.2), dbSNP rs2466687961, ClinGen allele CA347490708.